The following is an entry in ClinVar:

NM_000038.6(APC):c.4592del (p.Asn1531fs)

Gene: APC (APC regulator of Wnt signaling pathway; plus strand). Cytogenetic location: 5q22.2.
Variant type: Deletion.
Coding change: c.4592del on transcript NM_000038.6 (MANE Select); coding-DNA position 4592, one base deleted (A; older notation c.4592delA).
Protein change: p.Asn1531fs; shifts the reading frame from asparagine 1531.
Molecular consequence: frameshift variant. On other transcripts: non-coding transcript variant (2).
Genome position (GRCh38, 1-based): chr5:112,840,186, A deleted; the last of 4 consecutive A bases (chr5:112,840,183-112,840,186); deleting any one gives the same sequence. VCF-style (leftmost placement, unchanged base first): chr5-112840182-GA-G. GRCh37 (hg19) VCF-style: chr5-112175879-GA-G.
Other names: c.4592del, p.Asn1531fs (NM_001127510.3, NM_001354895.2, NM_001407450.1); c.4538del, p.Asn1513fs (NM_001127511.3); c.4646del, p.Asn1549fs (NM_001354896.2, NM_001407447.1, NM_001407448.1 and 1 more transcripts); c.4622del, p.Asn1541fs (NM_001354897.2); c.4517del, p.Asn1506fs (NM_001354898.2); c.4508del, p.Asn1503fs (NM_001354899.2); c.4469del, p.Asn1490fs (NM_001354900.2); c.4415del, p.Asn1472fs (NM_001354901.2, NM_001407453.1); and 11 more; short protein forms N1147fs, N1248fs, N1371fs, N1402fs, N1405fs, N1430fs, N1440fs, N1448fs.
Identifiers: ClinVar variation 2583274 (VCV002583274.1), dbSNP rs1765716533, ClinGen allele CA446206607.

ClinVar aggregate classification (germline): Pathogenic (1 of 4 stars; one submission).

Conditions:
Familial adenomatous polyposis 1 (FAP1). Also called: POLYPOSIS, ADENOMATOUS INTESTINAL; FAMILIAL ADENOMATOUS POLYPOSIS 1, ATTENUATED. Identifiers: MedGen C2713442, MONDO:0021056, OMIM 175100. Disease mechanism: loss of function.

Submission:

Myriad Genetics, Inc.
Classification: Pathogenic for Familial adenomatous polyposis 1. Last evaluated: 2023-05-11. Review status: criteria provided, single submitter. Criteria: Myriad Autosomal Dominant, Autosomal Recessive and X-Linked Classification Criteria (2023). Collection method: clinical testing. Allele origin: unknown.
Comment: This variant is considered pathogenic. This variant creates a frameshift predicted to result in premature protein truncation.